The following is an entry in ClinVar:

NM_000428.3(LTBP2):c.1693A>G (p.Asn565Asp)

Gene: LTBP2 (latent transforming growth factor beta binding protein 2; minus strand). Cytogenetic location: 14q24.3.
Variant type: single nucleotide variant.
Coding change: c.1693A>G on transcript NM_000428.3 (MANE Select); coding-DNA position 1693, A replaced by G.
Protein change: p.Asn565Asp; replaces asparagine 565 with aspartic acid.
Molecular consequence: missense variant.
Genome position (GRCh38, 1-based): chr14:74,549,959, T>C on the plus strand (A>G on the coding strand, the complement: LTBP2 is on the minus strand). VCF-style: chr14-74549959-T-C. GRCh37 (hg19) VCF-style: chr14-75016662-T-C.
Other names: short protein forms N565D.
Identifiers: ClinVar variation 1910205 (VCV001910205.3), dbSNP rs772840301, ClinGen allele CA7269794.

ClinVar aggregate classification (germline): Uncertain significance (1 of 4 stars; one submission).

Allele frequency attached by ClinVar (database versions not stated): gnomAD exomes below 0.00001; ExAC 0.00001; TOPMed 0.00001.
gnomAD v4.1: 2 of 1,611,364 alleles (0.00012%); highest among the groups gnomAD compares: Admixed American, 0.0033%; no homozygotes.

Submission:

Labcorp Genetics (formerly Invitae), Labcorp
Classification: Uncertain significance. Last evaluated: 2023-06-27. Review status: criteria provided, single submitter. Criteria: Invitae Variant Classification Sherloc (09022015). Collection method: clinical testing. Allele origin: germline.
Comment: In summary, the available evidence is currently insufficient to determine the role of this variant in disease. Therefore, it has been classified as a Variant of Uncertain Significance. Algorithms developed to predict the effect of missense changes on protein structure and function output the following: SIFT: "Not Available"; PolyPhen-2: "Benign"; Align-GVGD: "Not Available". The aspartic acid amino acid residue is found in multiple mammalian species, which suggests that this missense change does not adversely affect protein function. ClinVar contains an entry for this variant (Variation ID: 1910205). This variant has not been reported in the literature in individuals affected with LTBP2-related conditions. This variant is present in population databases (rs772840301, gnomAD 0.003%). This sequence change replaces asparagine, which is neutral and polar, with aspartic acid, which is acidic and polar, at codon 565 of the LTBP2 protein (p.Asn565Asp).